The following is an entry in ClinVar:

ClinVar aggregate classification (germline): Uncertain significance (1 of 4 stars; one submission).

gnomAD v4.1: 2 of 1,613,812 alleles (0.00012%); highest among the groups gnomAD compares: Non-Finnish European, 0.00017%; no homozygotes.

Submission:

Quest Diagnostics Nichols Institute San Juan Capistrano
Classification: Uncertain significance. Last evaluated: 2025-06-10. Review status: criteria provided, single submitter. Criteria: Quest Diagnostics criteria. Collection method: clinical testing. Allele origin: unknown.
Comment: The APOB c.6283G>T (p.Val2095Leu) variant has not been reported in individuals with APOB-related conditions in the published literature. It also has not been reported in large, multi-ethnic general populations (Genome Aggregation Database). Analysis of this variant using bioinformatics tools for the prediction of the effect of amino acid changes on protein structure and function yielded predictions that this variant is benign. Based on the available information, we are unable to determine the clinical significance of this variant.

NM_000384.3(APOB):c.6283G>T (p.Val2095Leu)

Gene: APOB (apolipoprotein B; minus strand). Cytogenetic location: 2p24.1.
Variant type: single nucleotide variant.
Coding change: c.6283G>T on transcript NM_000384.3 (MANE Select); coding-DNA position 6283, G replaced by T.
Protein change: p.Val2095Leu; replaces valine 2095 with leucine.
Molecular consequence: missense variant.
Genome position (GRCh38, 1-based): chr2:21,010,585, C>A on the plus strand (G>T on the coding strand, the complement: APOB is on the minus strand). VCF-style: chr2-21010585-C-A. GRCh37 (hg19) VCF-style: chr2-21233457-C-A.
Other names: short protein forms V2095L.
Identifiers: ClinVar variation 4532937 (VCV004532937.1).
Genomic context (GRCh38, chr2:21,010,585, plus strand): 5'-GGGCTGCTCTGTATTTTCTTACAAATTGATCAATATTGATGTGCTTCAGGTTTCTCTGTA[C>A]GTTTTCCAGTACAACTATAATGGTTTGTCGATTCCTCTCAAAATATTCTTGCAAGGTCTC-3'
Protein context (NP_000375.3, residues 2085-2105): RQTIIVVLEN[Val2095Leu]QRNLKHINID